The following is an entry in ClinVar:

NM_004655.4(AXIN2):c.1714G>T (p.Gly572Cys)

Gene: AXIN2 (axin 2; minus strand). Cytogenetic location: 17q24.1.
Variant type: single nucleotide variant.
Coding change: c.1714G>T on transcript NM_004655.4 (MANE Select); coding-DNA position 1714, G replaced by T.
Protein change: p.Gly572Cys; replaces glycine 572 with cysteine.
Molecular consequence: missense variant. On other transcripts: intron variant (1).
Genome position (GRCh38, 1-based): chr17:65,537,062, C>A on the plus strand (G>T on the coding strand, the complement: AXIN2 is on the minus strand). VCF-style: chr17-65537062-C-A. GRCh37 (hg19) VCF-style: chr17-63533180-C-A.
Other names: c.1712+262G>T (NM_001363813.1); short protein forms G572C.
Identifiers: ClinVar variation 942421 (VCV000942421.13), dbSNP rs753824435, ClinGen allele CA400676764.

ClinVar aggregate classification (germline): Conflicting classifications of pathogenicity. Review status: criteria provided, conflicting classifications (1 of 4 stars). 2 submissions from 2 submitters: Uncertain significance (1); Likely benign (1). Last evaluated 2025-04-25.

Conditions:
Oligodontia-cancer predisposition syndrome. Also called: TOOTH AGENESIS-COLORECTAL CANCER SYNDROME. Identifiers: Orphanet 300576, MedGen C1837750, MONDO:0012075, OMIM 608615. Disease mechanism: loss of function.
Hereditary cancer-predisposing syndrome. Also called: Hereditary neoplastic syndrome; Neoplastic Syndromes, Hereditary; Tumor predisposition; Hereditary Cancer Syndrome. Identifiers: Orphanet 140162, MedGen C0027672, MeSH D009386, MONDO:0015356.

Allele frequency attached by ClinVar (database versions not stated): TOPMed 0.00001.
gnomAD v4.1: 1 of 1,603,018 alleles (0.000062%); highest among the groups gnomAD compares: African/African-American, 0.0013%; no homozygotes.

Submissions (2):

Ambry Genetics
Classification: Likely benign for Hereditary cancer-predisposing syndrome. Last evaluated: 2025-04-25. Review status: criteria provided, single submitter. Criteria: Ambry Variant Classification Scheme 2023. Collection method: clinical testing. Allele origin: germline.

Labcorp Genetics (formerly Invitae), Labcorp
Classification: Uncertain significance for Oligodontia-cancer predisposition syndrome. Last evaluated: 2024-03-17. Review status: criteria provided, single submitter. Criteria: Invitae Variant Classification Sherloc (09022015). Collection method: clinical testing. Allele origin: germline.
Comment: This sequence change replaces glycine, which is neutral and non-polar, with cysteine, which is neutral and slightly polar, at codon 572 of the AXIN2 protein (p.Gly572Cys). This variant is not present in population databases (gnomAD no frequency). This variant has not been reported in the literature in individuals affected with AXIN2-related conditions. ClinVar contains an entry for this variant (Variation ID: 942421). An algorithm developed to predict the effect of missense changes on protein structure and function (PolyPhen-2) suggests that this variant is likely to be disruptive. In summary, the available evidence is currently insufficient to determine the role of this variant in disease. Therefore, it has been classified as a Variant of Uncertain Significance.